The following is an entry in ClinVar:

ClinVar aggregate classification (germline): Benign/Likely benign. Review status: criteria provided, multiple submitters, no conflicts (2 of 4 stars). 7 submissions from 6 submitters: Benign (6); Likely benign (1). Last evaluated 2026-06-05.

Conditions:
Ectopia lentis et pupillae. Also called: ECTOPIA LENTIS WITH ECTOPIA OF PUPIL. Identifiers: Orphanet 1885, MedGen C1644196, MONDO:0009153, OMIM 225200.
Ectopia lentis 2, isolated, autosomal recessive (ECTOL2). Identifiers: Orphanet 1885, MedGen C3541474, MONDO:0009152, OMIM 225100.

Allele frequency attached by ClinVar (database versions not stated): ExAC 0.01889; gnomAD exomes 0.00566 and 0.01522; 1000 Genomes Project 0.06749; 1000 Genomes Project 30x 0.07074; gnomAD 0.06305 and 0.05903; TOPMed 0.06610; ESP Exome Variant Server 0.06728.

Submissions (7):

Women's Health and Genetics/Laboratory Corporation of America, LabCorp
Classification: Likely benign. Last evaluated: 2026-06-05. Review status: criteria provided, single submitter. Criteria: LabCorp Variant Classification Summary - May 2015. Collection method: clinical testing. Allele origin: germline.

Labcorp Genetics (formerly Invitae), Labcorp
Classification: Benign. Last evaluated: 2026-02-02. Review status: criteria provided, single submitter. Criteria: Invitae Variant Classification Sherloc (09022015). Collection method: clinical testing. Allele origin: germline.

Genome-Nilou Lab
Classification: Benign for Ectopia lentis et pupillae. Last evaluated: 2023-04-11. Review status: criteria provided, single submitter. Criteria: ACMG Guidelines, 2015. Collection method: clinical testing. Allele origin: germline. Affected: no.

Genome-Nilou Lab
Classification: Benign for Ectopia lentis 2, isolated, autosomal recessive. Last evaluated: 2023-04-11. Review status: criteria provided, single submitter. Criteria: ACMG Guidelines, 2015. Collection method: clinical testing. Allele origin: germline. Affected: no.

GeneDx
Classification: Benign. Last evaluated: 2018-05-31. Review status: criteria provided, single submitter. Criteria: GeneDx Variant Classification (06012015). Collection method: clinical testing. Allele origin: germline. Affected: yes.
Comment: This variant is considered likely benign or benign based on one or more of the following criteria: it is a conservative change, it occurs at a poorly conserved position in the protein, it is predicted to be benign by multiple in silico algorithms, and/or has population frequency not consistent with disease.

Illumina Laboratory Services, Illumina
Classification: Benign for Ectopia lentis 2, isolated, autosomal recessive. Last evaluated: 2018-01-13. Review status: criteria provided, single submitter. Criteria: ICSL Variant Classification Criteria 13 December 2019. Collection method: clinical testing. Allele origin: germline.
Comment: This variant was observed in the ICSL laboratory as part of a predisposition screen in an ostensibly healthy population. It had not been previously curated by ICSL or reported in the Human Gene Mutation Database (HGMD: prior to June 1st, 2018), and was therefore a candidate for classification through an automated scoring system. Utilizing variant allele frequency, disease prevalence and penetrance estimates, and inheritance mode, an automated score was calculated to assess if this variant is too frequent to cause the disease. Based on the score and internal cut-off values, a variant classified as benign is not then subjected to further curation. The score for this variant resulted in a classification of benign for this disease.

Breakthrough Genomics
Classification: Benign. Review status: criteria provided, single submitter. Criteria: ACMG Guidelines, 2015. Collection method: not provided. Allele origin: germline. Inheritance: Autosomal recessive inheritance. Affected: yes.

NM_019032.6(ADAMTSL4):c.2512A>G (p.Met838Val)

Gene: ADAMTSL4 (ADAMTS like 4; plus strand). Cytogenetic location: 1q21.2.
Variant type: single nucleotide variant.
Coding change: c.2512A>G on transcript NM_019032.6 (MANE Select); coding-DNA position 2512, A replaced by G.
Protein change: p.Met838Val; replaces methionine 838 with valine.
Molecular consequence: missense variant.
Genome position (GRCh38, 1-based): chr1:150,558,602, A>G. VCF-style: chr1-150558602-A-G. GRCh37 (hg19) VCF-style: chr1-150531078-A-G.
Other names: c.2395A>G, p.Met799Val (NM_001288607.2); c.2581A>G, p.Met861Val (NM_001288608.2); c.2512A>G, p.Met838Val (NM_001378596.1, NM_025008.5); short protein forms M838V, M799V, M861V.
Identifiers: ClinVar variation 292554 (VCV000292554.16), dbSNP rs74124919, ClinGen allele CA1078707.